The following is an entry in ClinVar:

NM_000062.3(SERPING1):c.994del (p.Val332fs)

Gene: SERPING1 (serpin family G member 1; plus strand). Cytogenetic location: 11q12.1.
Variant type: Deletion.
Coding change: c.994del on transcript NM_000062.3 (MANE Select); coding-DNA position 994, one base deleted (G; older notation c.994delG).
Protein change: p.Val332fs; shifts the reading frame from valine 332.
Molecular consequence: frameshift variant.
Genome position (GRCh38, 1-based): chr11:57,606,512, G deleted. VCF-style (leftmost placement, unchanged base first): chr11-57606511-TG-T. GRCh37 (hg19) VCF-style: chr11-57373984-TG-T.
Other names: c.994del, p.Val332fs (NM_001032295.2); c.994del (NM_000062.2); short protein forms V332fs.
Identifiers: ClinVar variation 1458857 (VCV001458857.7), dbSNP rs2135318363, ClinGen allele CA2573147322.

ClinVar aggregate classification (germline): Pathogenic. Review status: criteria provided, multiple submitters, no conflicts (2 of 4 stars). 2 submissions from 2 submitters: Pathogenic (2). Last evaluated 2025-05-02.

Submissions (2):

GeneDx
Classification: Pathogenic. Last evaluated: 2025-05-02. Review status: criteria provided, single submitter. Criteria: GeneDx Variant Classification Process June 2021. Collection method: clinical testing. Allele origin: germline. Affected: yes.
Comment: Frameshift variant predicted to result in protein truncation or nonsense mediated decay in a gene for which loss of function is a known mechanism of disease; Not observed at significant frequency in large population cohorts (gnomAD); Has not been previously published as pathogenic or benign to our knowledge

Labcorp Genetics (formerly Invitae), Labcorp
Classification: Pathogenic. Last evaluated: 2021-04-24. Review status: criteria provided, single submitter. Criteria: Invitae Variant Classification Sherloc (09022015). Collection method: clinical testing. Allele origin: germline.
Comment: For these reasons, this variant has been classified as Pathogenic. This variant has not been reported in the literature in individuals with SERPING1-related conditions. This variant is not present in population databases (ExAC no frequency). This sequence change creates a premature translational stop signal (p.Val332Trpfs*9) in the SERPING1 gene. It is expected to result in an absent or disrupted protein product. Loss-of-function variants in SERPING1 are known to be pathogenic (PMID: 11112899, 24456027).

Literature cited by the submitters: PubMed 11112899 (cited by Labcorp Genetics (formerly Invitae), Labcorp); PubMed 24456027 (cited by Labcorp Genetics (formerly Invitae), Labcorp).